The following is an entry in ClinVar:

NM_007294.4(BRCA1):c.5576C>T (p.Pro1859Leu)

Gene: BRCA1 (BRCA1 DNA repair associated; minus strand). Cytogenetic location: 17q21.31.
Variant type: single nucleotide variant.
Coding change: c.5576C>T on transcript NM_007294.4 (MANE Select); coding-DNA position 5576, C replaced by T.
Protein change: p.Pro1859Leu; replaces proline 1859 with leucine.
Molecular consequence: missense variant. On other transcripts: 3 prime UTR variant (1), non-coding transcript variant (1).
Genome position (GRCh38, 1-based): chr17:43,045,694, G>A on the plus strand (C>T on the coding strand, the complement: BRCA1 is on the minus strand). VCF-style: chr17-43045694-G-A. GRCh37 (hg19) VCF-style: chr17-41197711-G-A.
Other names: c.5363C>T, p.Pro1788Leu (NM_001407571.1, NM_001407894.1, NM_001407895.1 and 12 more transcripts); c.5642C>T, p.Pro1881Leu (NM_001407581.1, NM_001407582.1); c.5639C>T, p.Pro1880Leu (NM_001407583.1, NM_001407585.1, NM_001407587.1 and 1 more transcripts); c.5636C>T, p.Pro1879Leu (NM_001407590.1, NM_001407591.1); c.5576C>T, p.Pro1859Leu (NM_001407593.1, NM_001407594.1, NM_001407596.1 and 5 more transcripts); c.5573C>T, p.Pro1858Leu (NM_001407610.1, NM_001407611.1, NM_001407612.1 and 14 more transcripts); c.5570C>T, p.Pro1857Leu (NM_001407627.1, NM_001407628.1, NM_001407629.1 and 13 more transcripts); c.5567C>T, p.Pro1856Leu (NM_001407644.1, NM_001407645.1); and 74 more; short protein forms P1769L, P1790L, P1816L, P1831L, P1855L, P1859L, P579L, P628L.
Identifiers: ClinVar variation 2090625 (VCV002090625.5), dbSNP rs80357322, ClinGen allele CA10590173.

ClinVar aggregate classification (germline): Uncertain significance. Review status: criteria provided, multiple submitters, no conflicts (2 of 4 stars). 2 submissions from 2 submitters: Uncertain significance (2). Last evaluated 2024-04-23.

Conditions:
Hereditary cancer-predisposing syndrome. Also called: Tumor predisposition; Hereditary Cancer Syndrome; Hereditary neoplastic syndrome; Neoplastic Syndromes, Hereditary. Identifiers: Orphanet 140162, MedGen C0027672, MeSH D009386, MONDO:0015356.
Hereditary breast ovarian cancer syndrome. Also called: Hereditary breast and ovarian cancer syndrome; Breast and ovarian cancer; BRCA1- and BRCA2-Associated Hereditary Breast and Ovarian Cancer; Hereditary breast and ovarian cancer syndrome (HBOC); Hereditary breast and ovarian cancer; Hereditary breast and/or ovarian cancer syndrome. Identifiers: Orphanet 145, MedGen C0677776, MeSH D061325, MONDO:0003582. Disease mechanism: loss of function.

Submissions (2):

Ambry Genetics
Classification: Uncertain significance for Hereditary cancer-predisposing syndrome. Last evaluated: 2024-04-23. Review status: criteria provided, single submitter. Criteria: Ambry Variant Classification Scheme 2023. Collection method: clinical testing. Allele origin: germline.
Comment: The p.P1859L variant (also known as c.5576C>T), located in coding exon 22 of the BRCA1 gene, results from a C to T substitution at nucleotide position 5576. The proline at codon 1859 is replaced by leucine, an amino acid with similar properties. This variant was functional in a homology directed repair and cisplatin resistance protein functional assay (Adamovich AI et al. Am J Hum Genet, 2022 Apr;109:618-630). This amino acid position is not well conserved in available vertebrate species. In addition, the in silico prediction for this alteration is inconclusive. Based on the available evidence, the clinical significance of this variant remains unclear.

Labcorp Genetics (formerly Invitae), Labcorp
Classification: Uncertain significance for Hereditary breast ovarian cancer syndrome. Last evaluated: 2022-07-27. Review status: criteria provided, single submitter. Criteria: Invitae Variant Classification Sherloc (09022015). Collection method: clinical testing. Allele origin: germline.
Comment: In summary, the available evidence is currently insufficient to determine the role of this variant in disease. Therefore, it has been classified as a Variant of Uncertain Significance. Advanced modeling of protein sequence and biophysical properties (such as structural, functional, and spatial information, amino acid conservation, physicochemical variation, residue mobility, and thermodynamic stability) performed at Invitae indicates that this missense variant is not expected to disrupt BRCA1 protein function. This variant has not been reported in the literature in individuals affected with BRCA1-related conditions. This variant is not present in population databases (gnomAD no frequency). This sequence change replaces proline, which is neutral and non-polar, with leucine, which is neutral and non-polar, at codon 1859 of the BRCA1 protein (p.Pro1859Leu).

Literature cited by the submitters: PubMed 35196514 (cited by Ambry Genetics).